The following is an entry in ClinVar:

ClinVar aggregate classification (germline): Conflicting classifications of pathogenicity. Review status: criteria provided, conflicting classifications (1 of 4 stars). 2 submissions from 2 submitters: Uncertain significance (1); Likely benign (1). Last evaluated 2025-03-18.

Conditions:
Cardiovascular phenotype. Identifiers: MedGen CN230736.

Allele frequency attached by ClinVar (database versions not stated): gnomAD exomes below 0.00001; gnomAD 0.00001; TOPMed 0.00002.
gnomAD v4.1: 7 of 1,612,786 alleles (0.00043%); highest among the groups gnomAD compares: Admixed American, 0.005%; no homozygotes.

Submissions (2):

Ambry Genetics
Classification: Uncertain significance for Cardiovascular phenotype. Last evaluated: 2025-03-18. Review status: criteria provided, single submitter. Criteria: Ambry Variant Classification Scheme 2023. Collection method: clinical testing. Allele origin: germline.
Comment: The p.A70V variant (also known as c.209C>T), located in coding exon 3 of the EPHB4 gene, results from a C to T substitution at nucleotide position 209. The alanine at codon 70 is replaced by valine, an amino acid with similar properties. This amino acid position is conserved. In addition, this alteration is predicted to be tolerated by in silico analysis. Since supporting evidence is limited at this time, the clinical significance of this alteration remains unclear.

Blueprint Genetics
Classification: Likely benign. Last evaluated: 2019-08-29. Review status: criteria provided, single submitter. Criteria: ACMG Guidelines, 2015. Collection method: clinical testing. Allele origin: germline.

NM_004444.5(EPHB4):c.209C>T (p.Ala70Val)

Gene: EPHB4 (EPH receptor B4; minus strand). Cytogenetic location: 7q22.1.
Variant type: single nucleotide variant.
Coding change: c.209C>T on transcript NM_004444.5 (MANE Select); coding-DNA position 209, C replaced by T.
Protein change: p.Ala70Val; replaces alanine 70 with valine.
Molecular consequence: missense variant.
Genome position (GRCh38, 1-based): chr7:100,823,846, G>A on the plus strand (C>T on the coding strand, the complement: EPHB4 is on the minus strand). VCF-style: chr7-100823846-G-A. GRCh37 (hg19) VCF-style: chr7-100421468-G-A.
Other names: short protein forms A70V.
Identifiers: ClinVar variation 1785858 (VCV001785858.4), dbSNP rs1364215320, ClinGen allele CA368584452.